The following is an entry in ClinVar:

ClinVar aggregate classification (germline): Uncertain significance (1 of 4 stars; one submission).

Conditions:
Spondylodysplastic Ehlers-Danlos syndrome. Identifiers: Orphanet 536471, Orphanet 75496, MedGen C5680154, MONDO:0007526.

Allele frequency attached by ClinVar (database versions not stated): gnomAD exomes below 0.00001; gnomAD 0.00002; TOPMed 0.00003.
gnomAD v4.1: 5 of 1,613,596 alleles (0.00031%); highest among the groups gnomAD compares: African/African-American, 0.0053%; no homozygotes.

Submission:

Labcorp Genetics (formerly Invitae), Labcorp
Classification: Uncertain significance for Spondylodysplastic Ehlers-Danlos syndrome. Last evaluated: 2022-05-04. Review status: criteria provided, single submitter. Criteria: Invitae Variant Classification Sherloc (09022015). Collection method: clinical testing. Allele origin: germline.
Comment: Algorithms developed to predict the effect of sequence changes on RNA splicing suggest that this variant may create or strengthen a splice site. Algorithms developed to predict the effect of missense changes on protein structure and function are either unavailable or do not agree on the potential impact of this missense change (SIFT: "Deleterious"; PolyPhen-2: "Probably Damaging"; Align-GVGD: "Class C0"). This variant has not been reported in the literature in individuals affected with B4GALT7-related conditions. This variant is not present in population databases (gnomAD no frequency). This sequence change replaces glycine, which is neutral and non-polar, with arginine, which is basic and polar, at codon 251 of the B4GALT7 protein (p.Gly251Arg). In summary, the available evidence is currently insufficient to determine the role of this variant in disease. Therefore, it has been classified as a Variant of Uncertain Significance.

NM_007255.3(B4GALT7):c.751G>A (p.Gly251Arg)

Gene: B4GALT7 (beta-1,4-galactosyltransferase 7; plus strand). Cytogenetic location: 5q35.3.
Variant type: single nucleotide variant.
Coding change: c.751G>A on transcript NM_007255.3 (MANE Select); coding-DNA position 751, G replaced by A.
Protein change: p.Gly251Arg; replaces glycine 251 with arginine.
Molecular consequence: missense variant.
Genome position (GRCh38, 1-based): chr5:177,608,937, G>A. VCF-style: chr5-177608937-G-A. GRCh37 (hg19) VCF-style: chr5-177035938-G-A.
Other names: short protein forms G251R.
Identifiers: ClinVar variation 2194814 (VCV002194814.2), dbSNP rs1377342756, ClinGen allele CA362376733.